The following is an entry in ClinVar:

ClinVar aggregate classification (germline): Uncertain significance. Review status: criteria provided, multiple submitters, no conflicts (2 of 4 stars). 2 submissions from 2 submitters: Uncertain significance (2). Last evaluated 2024-10-21.

Conditions:
Familial infantile myasthenia (CMS6). Also called: MYASTHENIC SYNDROME, PRESYNAPTIC, CONGENITAL, ASSOCIATED WITH EPISODIC APNEA; MYASTHENIC SYNDROME, CONGENITAL, 6, PRESYNAPTIC; Congenital myasthenic syndrome type 6. Identifiers: Orphanet 590, MedGen C0393929, MONDO:0009689, OMIM 254210.
Inborn genetic diseases. Identifiers: MedGen C0950123, MeSH D030342.

gnomAD v4.1: 17 of 1,613,798 alleles (0.0011%); highest among the groups gnomAD compares: Admixed American, 0.005%; no homozygotes.

Submissions (2):

Labcorp Genetics (formerly Invitae), Labcorp
Classification: Uncertain significance for Familial infantile myasthenia. Last evaluated: 2024-10-21. Review status: criteria provided, single submitter. Criteria: Invitae Variant Classification Sherloc (09022015). Collection method: clinical testing. Allele origin: germline.
Comment: This sequence change replaces arginine, which is basic and polar, with tryptophan, which is neutral and slightly polar, at codon 481 of the CHAT protein (p.Arg481Trp). This variant is present in population databases (rs751583653, gnomAD 0.007%). This variant has not been reported in the literature in individuals affected with CHAT-related conditions. ClinVar contains an entry for this variant (Variation ID: 1416970). Invitae Evidence Modeling of protein sequence and biophysical properties (such as structural, functional, and spatial information, amino acid conservation, physicochemical variation, residue mobility, and thermodynamic stability) has been performed for this missense variant. However, the output from this modeling did not meet the statistical confidence thresholds required to predict the impact of this variant on CHAT protein function. In summary, the available evidence is currently insufficient to determine the role of this variant in disease. Therefore, it has been classified as a Variant of Uncertain Significance.

Ambry Genetics
Classification: Uncertain significance for Inborn genetic diseases. Last evaluated: 2024-01-22. Review status: criteria provided, single submitter. Criteria: Ambry Variant Classification Scheme 2023. Collection method: clinical testing. Allele origin: germline.

NM_020549.5(CHAT):c.1441C>T (p.Arg481Trp)

Gene: CHAT (choline O-acetyltransferase; plus strand). Cytogenetic location: 10q11.23.
Variant type: single nucleotide variant.
Coding change: c.1441C>T on transcript NM_020549.5 (MANE Select); coding-DNA position 1441, C replaced by T.
Protein change: p.Arg481Trp; replaces arginine 481 with tryptophan.
Molecular consequence: missense variant.
Genome position (GRCh38, 1-based): chr10:49,649,566, C>T. VCF-style: chr10-49649566-C-T. GRCh37 (hg19) VCF-style: chr10-50857612-C-T.
Other names: c.1087C>T, p.Arg363Trp (NM_001142929.2, NM_001142934.2, NM_020984.4 and 2 more transcripts); c.1195C>T, p.Arg399Trp (NM_001142933.2); c.1441C>T (NM_020549.4); short protein forms R481W, R399W, R363W.
Identifiers: ClinVar variation 1416970 (VCV001416970.5), dbSNP rs751583653, ClinGen allele CA5497501.